The following is an entry in ClinVar:

NM_000059.4(BRCA2):c.961C>T (p.Gln321Ter)

Gene: BRCA2 (BRCA2 DNA repair associated; plus strand). Cytogenetic location: 13q13.1.
Variant type: single nucleotide variant.
Coding change: c.961C>T on transcript NM_000059.4 (MANE Select); coding-DNA position 961, C replaced by T.
Protein change: p.Gln321Ter; replaces glutamine 321 with a stop codon.
Molecular consequence: nonsense.
Genome position (GRCh38, 1-based): chr13:32,332,439, C>T. VCF-style: chr13-32332439-C-T. GRCh37 (hg19) VCF-style: chr13-32906576-C-T.
Other names: short protein forms Q321*.
Identifiers: ClinVar variation 52876 (VCV000052876.23), dbSNP rs80359234, ClinGen allele CA026238.

ClinVar aggregate classification (germline): Pathogenic. Review status: reviewed by expert panel (3 of 4 stars). 11 submissions from 11 submitters: Pathogenic (1). 10 of the submissions do not count toward it. Last evaluated 2016-09-08.

Conditions:
Hereditary cancer-predisposing syndrome. Also called: Neoplastic Syndromes, Hereditary; Tumor predisposition; Hereditary neoplastic syndrome; Hereditary Cancer Syndrome. Identifiers: Orphanet 140162, MedGen C0027672, MeSH D009386, MONDO:0015356.
Hereditary breast ovarian cancer syndrome. Also called: Hereditary breast and ovarian cancer syndrome; Hereditary breast and ovarian cancer; Hereditary breast and ovarian cancer syndrome (HBOC); Breast and ovarian cancer; Hereditary breast and/or ovarian cancer syndrome; BRCA1- and BRCA2-Associated Hereditary Breast and Ovarian Cancer. Identifiers: Orphanet 145, MedGen C0677776, MeSH D061325, MONDO:0003582. Disease mechanism: loss of function.
Familial cancer of breast. Also called: BREAST CANCER, FAMILIAL; Hereditary breast cancer; hereditary breast carcinoma. Identifiers: Orphanet 227535, MedGen C0346153, MONDO:0016419, OMIM 114480. Disease mechanism: loss of function.
Breast-ovarian cancer, familial, susceptibility to, 2 (BROVCA2). Also called: BRCA2 Hereditary Breast and Ovarian Cancer. Identifiers: Orphanet 145, MedGen C2675520, MONDO:0012933, OMIM 612555. Disease mechanism: loss of function.

Submissions (11):

Evidence-based Network for the Interpretation of Germline Mutant Alleles (ENIGMA)
Classification: Pathogenic for Breast-ovarian cancer, familial, susceptibility to, 2. Last evaluated: 2016-09-08. Review status: reviewed by expert panel. Criteria: ENIGMA BRCA1/2 Classification Criteria (2015). Collection method: curation. Allele origin: germline.
Comment: Variant allele predicted to encode a truncated non-functional protein.

Labcorp Genetics (formerly Invitae), Labcorp
Classification: Pathogenic for Hereditary breast ovarian cancer syndrome. Last evaluated: 2026-01-18. Review status: criteria provided, single submitter. Criteria: Invitae Variant Classification Sherloc (09022015). Collection method: clinical testing. Allele origin: germline. Not counted in ClinVar's aggregate classification.
Comment: This sequence change creates a premature translational stop signal (p.Gln321*) in the BRCA2 gene. It is expected to result in an absent or disrupted protein product. Loss-of-function variants in BRCA2 are known to be pathogenic (PMID: 20104584). This variant is not present in population databases (gnomAD no frequency). This premature translational stop signal has been observed in individual(s) with breast, colon, or pancreatic cancer (PMID: 9667259, 27978560, 28724667, 28726808). ClinVar contains an entry for this variant (Variation ID: 52876). For these reasons, this variant has been classified as Pathogenic.

Ambry Genetics
Classification: Pathogenic for Hereditary cancer-predisposing syndrome. Last evaluated: 2022-12-06. Review status: criteria provided, single submitter. Criteria: Ambry Variant Classification Scheme 2023. Collection method: clinical testing. Allele origin: germline. Not counted in ClinVar's aggregate classification.
Comment: The p.Q321* pathogenic mutation (also known as c.961C>T), located in coding exon 9 of the BRCA2 gene, results from a C to T substitution at nucleotide position 961. This changes the amino acid from a glutamine to a stop codon within coding exon 9. Of note, this alteration is also known as 1189C>T in published literature. In addition to the clinical data presented in the literature, this alteration is expected to result in loss of function by premature protein truncation or nonsense-mediated mRNA decay. As such, this alteration is interpreted as a disease-causing mutation.

Institute for Biomarker Research, Medical Diagnostic Laboratories, L.L.C.
Classification: Pathogenic for Hereditary breast ovarian cancer syndrome. Last evaluated: 2022-11-22. Review status: criteria provided, single submitter. Criteria: ACMG Guidelines, 2015. Collection method: clinical testing. Allele origin: germline. Not counted in ClinVar's aggregate classification.

Baylor Genetics
Classification: Pathogenic for Familial cancer of breast. Last evaluated: 2021-08-01. Review status: criteria provided, single submitter. Criteria: ACMG Guidelines, 2015. Collection method: clinical testing. Allele origin: unknown. Not counted in ClinVar's aggregate classification.

Women's Health and Genetics/Laboratory Corporation of America, LabCorp
Classification: Pathogenic for Hereditary breast and ovarian cancer syndrome. Last evaluated: 2020-04-13. Review status: criteria provided, single submitter. Criteria: LabCorp Variant Classification Summary - May 2015. Collection method: clinical testing. Allele origin: germline. Not counted in ClinVar's aggregate classification.
Comment: Variant summary: BRCA2 c.961C>T (p.Gln321X) results in a premature termination codon, predicted to cause a truncation of the encoded protein or absence of the protein due to nonsense mediated decay, which are commonly known mechanisms for disease. Truncations downstream of this position have been classified as pathogenic by our laboratory. The variant was absent in 227608 control chromosomes. c.961C>T has been reported in the literature in multiple individuals affected with Hereditary Breast And Ovarian Cancer Syndrome (eg. Rebbeck_2018, Frank_1998, Chaffee_2018, Bhaskaran_2019). These data indicate that the variant is very likely to be associated with disease. To our knowledge, no experimental evidence demonstrating an impact on protein function has been reported. Five clinical diagnostic laboratories have submitted clinical-significance assessments for this variant to ClinVar after 2014 without evidence for independent evaluation. All laboratories classified the variant as pathogenic. Based on the evidence outlined above, the variant was classified as pathogenic.

Color Diagnostics, LLC DBA Color Health
Classification: Pathogenic for Hereditary cancer-predisposing syndrome. Last evaluated: 2020-01-15. Review status: criteria provided, single submitter. Criteria: ACMG Guidelines, 2015. Collection method: clinical testing. Allele origin: germline. Not counted in ClinVar's aggregate classification.
Comment: This variant changes 1 nucleotide in exon 10 of the BRCA2 gene, creating a premature translation stop signal. This variant is expected to result in an absent or non-functional protein product. This variant has not been identified in the general population by the Genome Aggregation Database (gnomAD). Loss of BRCA2 function is a known mechanism of disease. Based on the available evidence, this variant is classified as Pathogenic.

GeneDx
Classification: Pathogenic. Last evaluated: 2018-02-01. Review status: criteria provided, single submitter. Criteria: GeneDx Variant Classification (06012015). Collection method: clinical testing. Allele origin: germline. Affected: yes. Not counted in ClinVar's aggregate classification.
Comment: This variant is denoted BRCA2 c.961C>T at the cDNA level and p.Gln321Ter (Q321X) at the protein level. Using alternate nomenclature, this variant would be defined as BRCA2 1189C>T. This substitution creates a nonsense variant, which changes a Glutamine to a premature stop codon (CAA>TAA), and is predicted to cause loss of normal protein function through either protein truncation or nonsense-mediated mRNA decay. This variant has been reported in at least one individual with colon cancer, multiple individuals with breast cancer, and in at least one individual with a personal and family history of breast cancer (Frank 1998, Adem 2003, Spearman 2008, Dworkin 2009, Pearlman 2017, Sun 2017). BRCA2 Gln321Ter is considered pathogenic.

Consortium of Investigators of Modifiers of BRCA1/2 (CIMBA), c/o University of Cambridge
Classification: Pathogenic for Breast-ovarian cancer, familial, susceptibility to, 2. Last evaluated: 2015-10-02. Review status: criteria provided, single submitter. Criteria: CIMBA Mutation Classification guidelines May 2016. Collection method: clinical testing. Allele origin: germline. Not counted in ClinVar's aggregate classification.

Research Molecular Genetics Laboratory, Women's College Hospital, University of Toronto
Classification: Pathogenic for Hereditary breast ovarian cancer syndrome. Last evaluated: 2014-01-31. Review status: no assertion criteria provided. Collection method: research. Allele origin: germline. Affected: yes. Study: The Canadian Open Genetics Repository (COGR). Not counted in ClinVar's aggregate classification.

Breast Cancer Information Core (BIC) (BRCA2)
Classification: Pathogenic for Breast-ovarian cancer, familial 2. Last evaluated: 2002-05-29. Review status: no assertion criteria provided. Collection method: clinical testing. Allele origin: germline. Affected: yes. Observed: 5 variant alleles. Not counted in ClinVar's aggregate classification.

Literature cited by the submitters: PubMed 20104584 (cited by Labcorp Genetics (formerly Invitae), Labcorp); PubMed 9667259 (cited by 3 submitters); PubMed 27978560 (cited by Labcorp Genetics (formerly Invitae), Labcorp); PubMed 28724667 (cited by Labcorp Genetics (formerly Invitae), Labcorp); PubMed 28726808 (cited by Labcorp Genetics (formerly Invitae), Labcorp and Women's Health and Genetics/Laboratory Corporation of America, LabCorp); PubMed 12491499 (cited by Ambry Genetics); PubMed 14520695 (cited by Ambry Genetics); PubMed 19340607 (cited by Ambry Genetics); PubMed 29446198 (cited by Women's Health and Genetics/Laboratory Corporation of America, LabCorp); PubMed 30702160 (cited by Women's Health and Genetics/Laboratory Corporation of America, LabCorp).